The following is an entry in ClinVar:

ClinVar aggregate classification (germline): Pathogenic (1 of 4 stars; one submission).

Conditions:
Ataxia-telangiectasia syndrome (AT). Also called: Ataxia-telangiectasia, complementation group D; Ataxia telangiectasia (A-T); Cerebello-oculocutaneous telangiectasia; Immunodeficiency with ataxia telangiectasia; ATAXIA-TELANGIECTASIA, COMPLEMENTATION GROUP A; ATAXIA-TELANGIECTASIA, FRESNO VARIANT. Identifiers: Orphanet 100, MedGen C0004135, MONDO:0008840, OMIM 208900.

Submission:

Labcorp Genetics (formerly Invitae), Labcorp
Classification: Pathogenic for Ataxia-telangiectasia syndrome. Last evaluated: 2023-02-14. Review status: criteria provided, single submitter. Criteria: Invitae Variant Classification Sherloc (09022015). Collection method: clinical testing. Allele origin: germline.
Comment: For these reasons, this variant has been classified as Pathogenic. Algorithms developed to predict the effect of sequence changes on RNA splicing suggest that this variant may disrupt the consensus splice site. ClinVar contains an entry for this variant (Variation ID: 1396936). This variant has not been reported in the literature in individuals affected with ATM-related conditions. This variant is not present in population databases (gnomAD no frequency). This sequence change creates a premature translational stop signal (p.Leu1206*) in the ATM gene. It is expected to result in an absent or disrupted protein product. Loss-of-function variants in ATM are known to be pathogenic (PMID: 23807571, 25614872).

Literature cited by the submitters: PubMed 23807571; PubMed 25614872.

NM_000051.4(ATM):c.3617_3620del (p.Arg1205_Leu1206insTer)

Gene: ATM (ATM serine/threonine kinase; plus strand). Cytogenetic location: 11q22.3.
Variant type: Deletion.
Coding change: c.3617_3620del on transcript NM_000051.4 (MANE Select); coding-DNA positions 3617 to 3620, 4 bases deleted (TAGA; older notation c.3617_3620delTAGA).
Protein change: p.Arg1205_Leu1206insTer.
Molecular consequence: nonsense.
Genome position (GRCh38, 1-based): chr11:108,282,750-108,282,753, TAGA deleted. VCF-style (leftmost placement, unchanged base first): chr11-108282749-TTAGA-T. GRCh37 (hg19) VCF-style: chr11-108153476-TTAGA-T.
Other names: c.3617_3620del, p.Arg1205_Leu1206insTer (NM_001351834.2).
Identifiers: ClinVar variation 1396936 (VCV001396936.6), dbSNP rs2135687676, ClinGen allele CA2573146569.